The following is an entry in ClinVar:

NM_000642.3(AGL):c.907C>T (p.Gln303Ter)

Gene: AGL (amylo-alpha-1,6-glucosidase and 4-alpha-glucanotransferase; plus strand). Cytogenetic location: 1p21.2.
Variant type: single nucleotide variant.
Coding change: c.907C>T on transcript NM_000642.3 (MANE Select); coding-DNA position 907, C replaced by T.
Protein change: p.Gln303Ter; replaces glutamine 303 with a stop codon.
Molecular consequence: nonsense.
Genome position (GRCh38, 1-based): chr1:99,870,818, C>T. VCF-style: chr1-99870818-C-T. GRCh37 (hg19) VCF-style: chr1-100336374-C-T.
Other names: c.907C>T, p.Gln303Ter (NM_000028.3, NM_000643.3, NM_000644.3 and 3 more transcripts); c.859C>T, p.Gln287Ter (NM_000646.3); c.703C>T, p.Gln235Ter (NM_001425328.1, NM_001425329.1); c.529C>T, p.Gln177Ter (NM_001425332.1); short protein forms Q287*, Q303*, Q177*, Q235*.
Identifiers: ClinVar variation 935443 (VCV000935443.11), dbSNP rs145362161, ClinGen allele CA966308.
Genomic context (GRCh38, chr1:99,870,818, plus strand): 5'-TCCATCCGAAAAATAATTTGGGAGGATATTTTTCCAAAGCTTAAACTCTGGGAATTTTTC[C>T]AAGTAGATGTCAACAAAGCGGTTGAGCAATTTAGAAGACTTCTTACACAAGGTAAAGGAT-3'

ClinVar aggregate classification (germline): Pathogenic/Likely pathogenic. Review status: criteria provided, multiple submitters, no conflicts (2 of 4 stars). 4 submissions from 4 submitters: Pathogenic (1); Likely pathogenic (3). Last evaluated 2024-03-08.

Conditions:
Glycogen storage disease type III (GSD3). Also called: Cori disease; FORBES DISEASE. Identifiers: Orphanet 366, MedGen C0017922, MONDO:0009291, OMIM 232400.

Allele frequency attached by ClinVar (database versions not stated): gnomAD exomes 0.00001 and below 0.00001; ESP Exome Variant Server 0.00008; TOPMed below 0.00001; ExAC 0.00001; gnomAD 0.00001.
gnomAD v4.1: 5 of 1,611,442 alleles (0.00031%); highest among the groups gnomAD compares: Non-Finnish European, 0.00042%; no homozygotes.

Submissions (4):

Baylor Genetics
Classification: Likely pathogenic for Glycogen storage disease type III. Last evaluated: 2024-03-08. Review status: criteria provided, single submitter. Criteria: ACMG Guidelines, 2015. Collection method: clinical testing. Allele origin: unknown.

Genome-Nilou Lab
Classification: Likely pathogenic for Glycogen storage disease type III. Last evaluated: 2023-04-11. Review status: criteria provided, single submitter. Criteria: ACMG Guidelines, 2015. Collection method: clinical testing. Allele origin: germline. Affected: no.

Labcorp Genetics (formerly Invitae), Labcorp
Classification: Pathogenic for Glycogen storage disease type III. Last evaluated: 2023-02-16. Review status: criteria provided, single submitter. Criteria: Invitae Variant Classification Sherloc (09022015). Collection method: clinical testing. Allele origin: germline.
Comment: This sequence change creates a premature translational stop signal (p.Gln303*) in the AGL gene. It is expected to result in an absent or disrupted protein product. Loss-of-function variants in AGL are known to be pathogenic (PMID: 19299494). This variant is present in population databases (rs145362161, gnomAD 0.002%). This variant has not been reported in the literature in individuals affected with AGL-related conditions. ClinVar contains an entry for this variant (Variation ID: 935443). Algorithms developed to predict the effect of sequence changes on RNA splicing suggest that this variant may disrupt the consensus splice site. For these reasons, this variant has been classified as Pathogenic.

Fulgent Genetics
Classification: Likely pathogenic for Glycogen storage disease type III. Last evaluated: 2021-10-01. Review status: criteria provided, single submitter. Criteria: ACMG Guidelines, 2015. Collection method: clinical testing. Allele origin: unknown.

Literature cited by the submitters: PubMed 19299494 (cited by Labcorp Genetics (formerly Invitae), Labcorp).